The following is an entry in ClinVar:

ClinVar aggregate classification (germline): Uncertain significance (1 of 4 stars; one submission).

gnomAD v4.1: 1 of 1,585,986 alleles (0.000063%); highest among the groups gnomAD compares: Non-Finnish European, 0.000085%; no homozygotes.

Submission:

GeneDx
Classification: Uncertain significance. Last evaluated: 2023-07-27. Review status: criteria provided, single submitter. Criteria: GeneDx Variant Classification Process June 2021. Collection method: clinical testing. Allele origin: germline. Affected: yes.
Comment: Not observed at significant frequency in large population cohorts (gnomAD); In silico analysis supports that this missense variant has a deleterious effect on protein structure/function; Has not been previously published as pathogenic or benign to our knowledge

NM_004301.5(ACTL6A):c.898G>A (p.Glu300Lys)

Gene: ACTL6A (actin like 6A; plus strand). Cytogenetic location: 3q26.33.
Variant type: single nucleotide variant.
Coding change: c.898G>A on transcript NM_004301.5 (MANE Select); coding-DNA position 898, G replaced by A.
Protein change: p.Glu300Lys; replaces glutamic acid 300 with lysine.
Molecular consequence: missense variant.
Genome position (GRCh38, 1-based): chr3:179,580,961, G>A. VCF-style: chr3-179580961-G-A. GRCh37 (hg19) VCF-style: chr3-179298749-G-A.
Other names: c.772G>A, p.Glu258Lys (NM_177989.4, NM_178042.4); short protein forms E258K, E300K.
Identifiers: ClinVar variation 3361268 (VCV003361268.1).